The following is an entry in ClinVar:

ClinVar aggregate classification (germline): Pathogenic/Likely pathogenic. Review status: criteria provided, multiple submitters, no conflicts (2 of 4 stars). 2 submissions from 2 submitters: Pathogenic (1); Likely pathogenic (1). Last evaluated 2023-07-20.

Conditions:
Enhanced S-cone syndrome (ESCS). Identifiers: Orphanet 53540, MedGen C1849394, MONDO:0100288, MONDO:0009989.

Allele frequency attached by ClinVar (database versions not stated): gnomAD exomes below 0.00001.
gnomAD v4.1: 1 of 1,612,916 alleles (0.000062%); highest among the groups gnomAD compares: African/African-American, 0.0013%; no homozygotes.

Submissions (2):

Baylor Genetics
Classification: Likely pathogenic for ENHANCED S-CONE SYNDROME 1. Last evaluated: 2023-07-20. Review status: criteria provided, single submitter. Criteria: ACMG Guidelines, 2015. Collection method: clinical testing. Allele origin: unknown.

Labcorp Genetics (formerly Invitae), Labcorp
Classification: Pathogenic. Last evaluated: 2023-04-07. Review status: criteria provided, single submitter. Criteria: Invitae Variant Classification Sherloc (09022015). Collection method: clinical testing. Allele origin: germline.
Comment: For these reasons, this variant has been classified as Pathogenic. Algorithms developed to predict the effect of sequence changes on RNA splicing suggest that this variant may disrupt the consensus splice site. ClinVar contains an entry for this variant (Variation ID: 1453001). This variant has not been reported in the literature in individuals affected with NR2E3-related conditions. This sequence change creates a premature translational stop signal (p.Gln348*) in the NR2E3 gene. It is expected to result in an absent or disrupted protein product. Loss-of-function variants in NR2E3 are known to be pathogenic (PMID: 15459973, 27522502). This variant is not present in population databases (gnomAD no frequency).

Literature cited by the submitters: PubMed 15459973 (cited by Labcorp Genetics (formerly Invitae), Labcorp); PubMed 27522502 (cited by Labcorp Genetics (formerly Invitae), Labcorp).

NM_014249.4(NR2E3):c.1042C>T (p.Gln348Ter)

Gene: NR2E3 (nuclear receptor subfamily 2 group E member 3; plus strand). Cytogenetic location: 15q23.
Variant type: single nucleotide variant.
Coding change: c.1042C>T on transcript NM_014249.4 (MANE Select); coding-DNA position 1042, C replaced by T.
Protein change: p.Gln348Ter; replaces glutamine 348 with a stop codon.
Molecular consequence: nonsense.
Genome position (GRCh38, 1-based): chr15:71,814,059, C>T. VCF-style: chr15-71814059-C-T. GRCh37 (hg19) VCF-style: chr15-72106400-C-T.
Other names: c.1042C>T, p.Gln348Ter (NM_016346.4); short protein forms Q348*.
Identifiers: ClinVar variation 1453001 (VCV001453001.7), dbSNP rs1448244599, ClinGen allele CA393039302.
Genomic context (GRCh38, chr15:71,814,059, plus strand): 5'-TGCTTCTCCCCAGAGACGCGGGGCCTGAAGGATCCTGAGCACGTAGAGGCCTTGCAGGAC[C>T]AGTCCCAAGTGATGCTGAGCCAGCACAGCAAGGCCCACCACCCCAGCCAGCCCGTGAGGT-3'